The following is an entry in ClinVar:

ClinVar aggregate classification (germline): Uncertain significance (1 of 4 stars; one submission).

Submission:

Labcorp Genetics (formerly Invitae), Labcorp
Classification: Uncertain significance. Last evaluated: 2022-03-10. Review status: criteria provided, single submitter. Criteria: Invitae Variant Classification Sherloc (09022015). Collection method: clinical testing. Allele origin: germline.
Comment: This sequence change replaces threonine, which is neutral and polar, with alanine, which is neutral and non-polar, at codon 544 of the IMPG2 protein (p.Thr544Ala). This variant is not present in population databases (gnomAD no frequency). This variant has not been reported in the literature in individuals affected with IMPG2-related conditions. ClinVar contains an entry for this variant (Variation ID: 850849). Algorithms developed to predict the effect of missense changes on protein structure and function output the following: SIFT: "Tolerated"; PolyPhen-2: "Benign"; Align-GVGD: "Class C0". The alanine amino acid residue is found in multiple mammalian species, which suggests that this missense change does not adversely affect protein function. In summary, the available evidence is currently insufficient to determine the role of this variant in disease. Therefore, it has been classified as a Variant of Uncertain Significance.

NM_016247.4(IMPG2):c.1630A>G (p.Thr544Ala)

Gene: IMPG2 (interphotoreceptor matrix proteoglycan 2; minus strand). Cytogenetic location: 3q12.3.
Variant type: single nucleotide variant.
Coding change: c.1630A>G on transcript NM_016247.4 (MANE Select); coding-DNA position 1630, A replaced by G.
Protein change: p.Thr544Ala; replaces threonine 544 with alanine.
Molecular consequence: missense variant.
Genome position (GRCh38, 1-based): chr3:101,244,701, T>C on the plus strand (A>G on the coding strand, the complement: IMPG2 is on the minus strand). VCF-style: chr3-101244701-T-C. GRCh37 (hg19) VCF-style: chr3-100963545-T-C.
Other names: short protein forms T544A.
Identifiers: ClinVar variation 850849 (VCV000850849.11), dbSNP rs1706456665, ClinGen allele CA353860453.